The following is an entry in ClinVar:

NM_201384.3(PLEC):c.5476C>T (p.Arg1826Trp)

Gene: PLEC (plectin; minus strand). Cytogenetic location: 8q24.3.
Variant type: single nucleotide variant.
Coding change: c.5476C>T on transcript NM_201384.3 (MANE Select); coding-DNA position 5476, C replaced by T.
Protein change: p.Arg1826Trp; replaces arginine 1826 with tryptophan.
Molecular consequence: missense variant.
Genome position (GRCh38, 1-based): chr8:143,924,453, G>A on the plus strand (C>T on the coding strand, the complement: PLEC is on the minus strand). VCF-style: chr8-143924453-G-A. GRCh37 (hg19) VCF-style: chr8-144998621-G-A.
Other names: p.Arg1812Trp; c.5557C>T, p.Arg1853Trp (NM_000445.5); c.5434C>T, p.Arg1812Trp (NM_201378.4); c.5410C>T, p.Arg1804Trp (NM_201379.3); c.5887C>T, p.Arg1963Trp (NM_201380.4); c.5380C>T, p.Arg1794Trp (NM_201381.3); c.5476C>T, p.Arg1826Trp (NM_201382.4); c.5488C>T, p.Arg1830Trp (NM_201383.3); short protein forms R1794W, R1804W, R1812W, R1826W, R1830W, R1853W, R1963W.
Identifiers: ClinVar variation 167508 (VCV000167508.48), dbSNP rs200575795, ClinGen allele CA180314.
Genomic context (GRCh38, chr8:143,924,453, plus strand): 5'-TGGCCTCGCCGATGGCGGCCAGCTTCTCCGCAAGCACCCGCTCCGCCTCGGCCCGCTGCC[G>A]CGCCGCGTCTTCCTCGGCCAGCTGCCGCTGCCGCTTGGCCTCTTCCGCCAGGGCACGCAG-3'
Protein context (NP_958786.1, residues 1816-1836): QRQLAEEDAA[Arg1826Trp]QRAEAERVLA

ClinVar aggregate classification (germline): Benign/Likely benign. Review status: criteria provided, multiple submitters, no conflicts (2 of 4 stars). 12 submissions from 12 submitters: Benign (7); Likely benign (3). 2 of the submissions do not count toward it. Last evaluated 2026-09-01.

Conditions:
Epidermolysis bullosa simplex 5B, with muscular dystrophy (EBS5B). Also called: Epidermolysis bullosa simplex with muscular dystrophy; EPIDERMOLYSIS BULLOSA SIMPLEX AND LIMB-GIRDLE MUSCULAR DYSTROPHY. Identifiers: Orphanet 257, MedGen C2931072, MONDO:0009181, OMIM 226670.
Autosomal recessive limb-girdle muscular dystrophy type 2Q (LGMDR17). Also called: MUSCULAR DYSTROPHY, LIMB-GIRDLE, AUTOSOMAL RECESSIVE 17. Identifiers: Orphanet 254361, MedGen C3150989, MONDO:0013390, OMIM 613723.
Epidermolysis bullosa simplex with nail dystrophy (EBS5D). Identifiers: MedGen C4225309, MONDO:0014661, OMIM 616487.
Epidermolysis bullosa simplex, Ogna type (EBS5A). Also called: Pidermolysis bullosa simplex 5A, Ogna type; EPIDERMOLYSIS BULLOSA SIMPLEX 5A, OGNA TYPE. Identifiers: Orphanet 79401, MedGen C0432317, MONDO:0007555, OMIM 131950.
Epidermolysis bullosa simplex 5C, with pyloric atresia (EBS5C). Also called: PLEC-Related Epidermolysis Bullosa with Pyloric Atresia; Epidermolysis bullosa simplex with pyloric atresia; PLEC1-Related Epidermolysis Bullosa with Pyloric Atresia. Identifiers: Orphanet 158684, MedGen C2677349, MONDO:0012807, OMIM 612138.
Arrhythmogenic right ventricular dysplasia 1. Identifiers: Orphanet 3403, MedGen C1862511, MONDO:0007152, OMIM 107970.

Allele frequency attached by ClinVar (database versions not stated): gnomAD 0.00326 and 0.00358; 1000 Genomes Project 30x 0.00344; 1000 Genomes Project 0.00339; TOPMed 0.00359; gnomAD exomes 0.00657; ExAC 0.00979.
gnomAD v4.1: 6,777 of 1,554,648 alleles (0.44%); highest among the groups gnomAD compares: South Asian, 1.4%; 45 homozygotes.

Submissions (12):

CeGaT Center for Human Genetics Tuebingen
Classification: Benign. Last evaluated: 2026-09-01. Review status: criteria provided, single submitter. Criteria: CeGaT Center For Human Genetics Tuebingen Variant Classification Criteria Version 2. Collection method: clinical testing. Allele origin: germline. Affected: yes. Observed: 16 variant alleles.
Comment: PLEC: BS1, BS2

Labcorp Genetics (formerly Invitae), Labcorp
Classification: Benign for Autosomal recessive limb-girdle muscular dystrophy type 2Q; Epidermolysis bullosa simplex, Ogna type; Epidermolysis bullosa simplex with nail dystrophy; Epidermolysis bullosa simplex 5C, with pyloric atresia; Epidermolysis bullosa simplex 5B, with muscular dystrophy. Last evaluated: 2026-01-28. Review status: criteria provided, single submitter. Criteria: Invitae Variant Classification Sherloc (09022015). Collection method: clinical testing. Allele origin: germline.

Blueprint Genetics
Classification: Benign. Last evaluated: 2024-11-25. Review status: criteria provided, single submitter. Criteria: ACMG Guidelines, 2015. Collection method: clinical testing. Allele origin: germline.

Mayo Clinic Laboratories, Mayo Clinic
Classification: Benign. Last evaluated: 2023-06-14. Review status: criteria provided, single submitter. Criteria: ACMG Guidelines, 2015. Collection method: clinical testing. Allele origin: germline. Observed: 13 variant alleles.

Athena Diagnostics
Classification: Benign. Last evaluated: 2020-03-13. Review status: criteria provided, single submitter. Criteria: Athena Diagnostics Criteria. Collection method: clinical testing. Allele origin: unknown.

GeneDx
Classification: Benign. Last evaluated: 2018-02-01. Review status: criteria provided, single submitter. Criteria: GeneDx Variant Classification (06012015). Collection method: clinical testing. Allele origin: germline. Affected: yes.
Comment: This variant is considered likely benign or benign based on one or more of the following criteria: it is a conservative change, it occurs at a poorly conserved position in the protein, it is predicted to be benign by multiple in silico algorithms, and/or has population frequency not consistent with disease.

Center for Pediatric Genomic Medicine, Children's Mercy Hospital and Clinics
Classification: Likely benign. Last evaluated: 2017-09-12. Review status: criteria provided, single submitter. Criteria: ACMG Guidelines, 2015. Collection method: clinical testing. Allele origin: germline.

Eurofins Ntd Llc (ga)
Classification: Benign. Last evaluated: 2015-06-10. Review status: criteria provided, single submitter. Criteria: EGL Classification Definitions 2015. Collection method: clinical testing. Allele origin: germline. Observed: 2 variant alleles, 1 heterozygote.

Baylor-Hopkins Center for Mendelian Genomics, Johns Hopkins University School of Medicine
Classification: Likely benign for Arrhythmogenic right ventricular dysplasia, familial 1. Review status: criteria provided, single submitter. Criteria: ACMG Guidelines, 2015. Collection method: research. Allele origin: unknown. Affected: yes. Observed: 1 variant allele, 1 heterozygote.

Breakthrough Genomics
Classification: Likely benign. Review status: criteria provided, single submitter. Criteria: ACMG Guidelines, 2015. Collection method: not provided. Allele origin: germline. Inheritance: Autosomal recessive inheritance. Affected: yes.

Diagnostic Laboratory, Department of Genetics, University Medical Center Groningen
Classification: Likely benign. Review status: no assertion criteria provided. Collection method: clinical testing. Allele origin: germline. Affected: yes. Study: VKGL Data-share Consensus. Not counted in ClinVar's aggregate classification.

Laboratory of Diagnostic Genome Analysis, Leiden University Medical Center (LUMC)
Classification: Likely benign. Review status: no assertion criteria provided. Collection method: clinical testing. Allele origin: germline. Affected: yes. Study: VKGL Data-share Consensus. Not counted in ClinVar's aggregate classification.